The following is an entry in ClinVar:

ClinVar aggregate classification (germline): Uncertain significance (1 of 4 stars; one submission).

gnomAD v4.1: 2 of 1,614,038 alleles (0.00012%); highest among the groups gnomAD compares: African/African-American, 0.0027%; no homozygotes.

Submission:

GeneDx
Classification: Uncertain significance. Last evaluated: 2025-05-12. Review status: criteria provided, single submitter. Criteria: GeneDx Variant Classification Process June 2021. Collection method: clinical testing. Allele origin: germline. Affected: yes.
Comment: In silico analysis suggests that this variant does not alter splicing; Has not been previously published as pathogenic or benign to our knowledge

NM_000141.5(FGFR2):c.2145G>A (p.Leu715=)

Gene: FGFR2 (fibroblast growth factor receptor 2; minus strand). Cytogenetic location: 10q26.13.
Variant type: single nucleotide variant.
Coding change: c.2145G>A on transcript NM_000141.5 (MANE Select); coding-DNA position 2145, G replaced by A.
Protein change: p.Leu715=; no amino-acid change (leucine 715 retained).
Molecular consequence: synonymous variant. On other transcripts: non-coding transcript variant (1).
Genome position (GRCh38, 1-based): chr10:121,485,445, C>T on the plus strand (G>A on the coding strand, the complement: FGFR2 is on the minus strand). VCF-style: chr10-121485445-C-T. GRCh37 (hg19) VCF-style: chr10-123244959-C-T.
Other names: c.2148G>A, p.Leu716= (NM_001144913.1, NM_022970.4); c.1809G>A, p.Leu603= (NM_001144914.1); c.1878G>A, p.Leu626= (NM_001144915.2, NM_023029.3); c.1800G>A, p.Leu600= (NM_001144916.2, NM_001441090.1); c.1797G>A, p.Leu599= (NM_001144917.2); c.1794G>A, p.Leu598= (NM_001144918.2, NM_001441091.1); c.1881G>A, p.Leu627= (NM_001144919.2); c.1461G>A, p.Leu487= (NM_001320654.2); and 4 more.
Identifiers: ClinVar variation 4529758 (VCV004529758.1).
Genomic context (GRCh38, chr10:121,485,445, plus strand): 5'-CAGCCCTTACAGTTCGTTGGTGCAGTTGGCTGGCTTATCCATTCTGTGTCCTTCCTTCAG[C>T]AGCTTAAAAAGTTCCTCCACGGGAATCCCTGGGTAGGGCGAGCCCCCTAAAGTGAAGATC-3'
Protein context (NP_000132.3, residues 705-725): PGIPVEELFK[Leu715=]LKEGHRMDKP